The following is an entry in ClinVar:

ClinVar aggregate classification (germline): Uncertain significance. Review status: criteria provided, multiple submitters, no conflicts (2 of 4 stars). 2 submissions from 2 submitters: Uncertain significance (2). Last evaluated 2024-01-03.

Conditions:
Cardiovascular phenotype. Identifiers: MedGen CN230736.

Allele frequency attached by ClinVar (database versions not stated): gnomAD exomes 0.00002 and 0.00001; TOPMed below 0.00001; ExAC 0.00003; gnomAD 0.00001.

Submissions (2):

Labcorp Genetics (formerly Invitae), Labcorp
Classification: Uncertain significance. Last evaluated: 2024-01-03. Review status: criteria provided, single submitter. Criteria: Invitae Variant Classification Sherloc (09022015). Collection method: clinical testing. Allele origin: germline.
Comment: This sequence change replaces leucine, which is neutral and non-polar, with phenylalanine, which is neutral and non-polar, at codon 35 of the ALPK3 protein (p.Leu35Phe). This variant is present in population databases (rs759153626, gnomAD 0.02%). This variant has not been reported in the literature in individuals affected with ALPK3-related conditions. ClinVar contains an entry for this variant (Variation ID: 1469868). An algorithm developed to predict the effect of missense changes on protein structure and function (PolyPhen-2) suggests that this variant is likely to be disruptive. In summary, the available evidence is currently insufficient to determine the role of this variant in disease. Therefore, it has been classified as a Variant of Uncertain Significance.

Ambry Genetics
Classification: Uncertain significance for Cardiovascular phenotype. Last evaluated: 2023-11-26. Review status: criteria provided, single submitter. Criteria: Ambry Variant Classification Scheme 2023. Collection method: clinical testing. Allele origin: germline.
Comment: The p.L35F variant (also known as c.103C>T), located in coding exon 1 of the ALPK3 gene, results from a C to T substitution at nucleotide position 103. The leucine at codon 35 is replaced by phenylalanine, an amino acid with highly similar properties. This amino acid position is conserved. In addition, this alteration is predicted to be tolerated by in silico analysis. Since supporting evidence is limited at this time, the clinical significance of this alteration remains unclear.

NC_000015.10:g.84816949C>T

Gene: ALPK3 (alpha kinase 3; plus strand). Cytogenetic location: 15q25.3.
Variant type: single nucleotide variant.
Genome position: GRCh38 VCF-style: chr15-84816949-C-T. GRCh37 (hg19) VCF-style: chr15-85360180-C-T.
Other names: short protein forms L35F.
Identifiers: ClinVar variation 1469868 (VCV001469868.9), dbSNP rs759153626, ClinGen allele CA7708791.